The following is an entry in ClinVar:

NM_003737.4(DCHS1):c.2258A>G (p.Asn753Ser)

Gene: DCHS1 (dachsous cadherin-related 1; minus strand). Cytogenetic location: 11p15.4.
Variant type: single nucleotide variant.
Coding change: c.2258A>G on transcript NM_003737.4 (MANE Select); coding-DNA position 2258, A replaced by G.
Protein change: p.Asn753Ser; replaces asparagine 753 with serine.
Molecular consequence: missense variant.
Genome position (GRCh38, 1-based): chr11:6,633,609, T>C on the plus strand (A>G on the coding strand, the complement: DCHS1 is on the minus strand). VCF-style: chr11-6633609-T-C. GRCh37 (hg19) VCF-style: chr11-6654840-T-C.
Other names: short protein forms N753S.
Identifiers: ClinVar variation 1433055 (VCV001433055.6), dbSNP rs748854597, ClinGen allele CA5860761.
Genomic context (GRCh38, chr11:6,633,609, plus strand): 5'-CTGGGTTCTGCCTGTAGGCCACCTCCGTCCTCAGCCCCGATCTCCAGCTGCACCACAGAA[T>C]TGGCCCGTCTGGCCAAGGGCCAGGCTACTGTCAACAGCCCTGAGAGGAAGAATAGAAGCA-3'
Protein context (NP_003728.1, residues 743-763): TVAWPLARRA[Asn753Ser]SVVQLEIGAE

ClinVar aggregate classification (germline): Uncertain significance (1 of 4 stars; one submission).

Allele frequency attached by ClinVar (database versions not stated): gnomAD 0.00001; gnomAD exomes 0.00001; ExAC 0.00002; TOPMed 0.00002.
gnomAD v4.1: 22 of 1,599,046 alleles (0.0014%); highest among the groups gnomAD compares: Admixed American, 0.0035%; no homozygotes.

Submission:

Labcorp Genetics (formerly Invitae), Labcorp
Classification: Uncertain significance. Last evaluated: 2025-12-16. Review status: criteria provided, single submitter. Criteria: Invitae Variant Classification Sherloc (09022015). Collection method: clinical testing. Allele origin: germline.
Comment: This sequence change replaces asparagine, which is neutral and polar, with serine, which is neutral and polar, at codon 753 of the DCHS1 protein (p.Asn753Ser). This variant is present in population databases (rs748854597, gnomAD 0.007%). This variant has not been reported in the literature in individuals affected with DCHS1-related conditions. ClinVar contains an entry for this variant (Variation ID: 1433055). Invitae Evidence Modeling of protein sequence and biophysical properties (such as structural, functional, and spatial information, amino acid conservation, physicochemical variation, residue mobility, and thermodynamic stability) indicates that this missense variant is not expected to disrupt DCHS1 protein function with a negative predictive value of 95%. In summary, the available evidence is currently insufficient to determine the role of this variant in disease. Therefore, it has been classified as a Variant of Uncertain Significance.